The following is an entry in ClinVar:

NM_173660.5(DOK7):c.201C>T (p.Pro67=)

Gene: DOK7 (docking protein 7; plus strand). Cytogenetic location: 4p16.3.
Variant type: single nucleotide variant.
Coding change: c.201C>T on transcript NM_173660.5 (MANE Select); coding-DNA position 201, C replaced by T.
Protein change: p.Pro67=; no amino-acid change (proline 67 retained).
Molecular consequence: synonymous variant. On other transcripts: intron variant (1).
Genome position (GRCh38, 1-based): chr4:3,473,506, C>T. VCF-style: chr4-3473506-C-T. GRCh37 (hg19) VCF-style: chr4-3475233-C-T.
Other names: c.201C>T, p.Pro67= (NM_001164673.2, NM_001301071.2); c.100+9955C>T (NM_001363811.2); c.201C>T (NM_173660.4).
Identifiers: ClinVar variation 1566179 (VCV001566179.10), dbSNP rs770153614, ClinGen allele CA2828905.

ClinVar aggregate classification (germline): Likely benign. Review status: criteria provided, single submitter (1 of 4 stars). 2 submissions from 2 submitters: Likely benign (1). 1 of the submissions does not count toward it. Last evaluated 2026-01-28.

Conditions:
Fetal akinesia deformation sequence 1 (FADS1). Also called: Fetal akinesia sequence; Pena-Shokeir syndrome type I. Identifiers: Orphanet 994, MedGen C1276035, MONDO:0100101, OMIM 208150, HP:0001989.
Congenital myasthenic syndrome 10. Also called: Myasthenia, limb-girdle, familial. Identifiers: Orphanet 590, MedGen C1850792, MONDO:0009690, OMIM 254300.
DOK7-related disorder. Also called: DOK7-related condition.

Allele frequency attached by ClinVar (database versions not stated): ExAC 0.00004; TOPMed 0.00004; gnomAD 0.00005; gnomAD exomes 0.00005 and 0.00006.
gnomAD v4.1: 97 of 1,611,054 alleles (0.006%); highest among the groups gnomAD compares: Admixed American, 0.012%; no homozygotes.

Submissions (2):

Labcorp Genetics (formerly Invitae), Labcorp
Classification: Likely benign for Congenital myasthenic syndrome 10; Fetal akinesia deformation sequence 1. Last evaluated: 2026-01-28. Review status: criteria provided, single submitter. Criteria: Invitae Variant Classification Sherloc (09022015). Collection method: clinical testing. Allele origin: germline.

PreventionGenetics, part of Exact Sciences
Classification: Likely benign for DOK7-related condition. Last evaluated: 2023-10-31. Review status: no assertion criteria provided. Collection method: clinical testing. Allele origin: germline. Not counted in ClinVar's aggregate classification.
Comment: This variant is classified as likely benign based on ACMG/AMP sequence variant interpretation guidelines (Richards et al. 2015 PMID: 25741868, with internal and published modifications).